The following is an entry in ClinVar:

NC_000002.12:g.(?_32063812)_(32116232_?)del

Genes: SPAST (spastin; plus strand), LOC129933455 (ATAC-STARR-seq lymphoblastoid silent region 11339; plus strand). Cytogenetic location: 2p22.3.
Variant type: Deletion.
Identifiers: ClinVar variation 468556 (VCV000468556.1).

ClinVar aggregate classification (germline): Pathogenic (1 of 4 stars; one submission).

Conditions:
Hereditary spastic paraplegia 4. Also called: Spastic paraplegia 4, autosomal dominant; Familial spastic paraplegia autosomal dominant 2; Spastic Paraplegia 4. Identifiers: Orphanet 100985, MedGen C1866855, MONDO:0008438, OMIM 182601.

Submission:

Labcorp Genetics (formerly Invitae), Labcorp
Classification: Pathogenic for Hereditary spastic paraplegia 4. Last evaluated: 2017-06-29. Review status: criteria provided, single submitter. Criteria: Invitae Variant Classification Sherloc (09022015). Collection method: clinical testing. Allele origin: germline.
Comment: This variant is a gross deletion of the genomic region encompassing exons 1-7 of the SPAST gene, which includes the initiator codon. The 5' end of this event is unknown as it extends beyond the assayed region for this gene and therefore may encompass additional genes. The 3' boundary is likely confined to intron 7 of the SPAST gene. This is expected to result in an absent or disrupted protein product. This variant has been reported in an individual affected with hereditary spastic paraplegia. It was also found in an unaffected relative, potentially representing a case of incomplete penetrance (PMID: 17035675). Loss-of-function variants in SPAST are known to be pathogenic (PMID: 20932283). For these reasons, this variant has been classified as Pathogenic.